The following is an entry in ClinVar:

NM_001172509.2(SATB2):c.1584C>G (p.Ser528Arg)

Gene: SATB2 (SATB homeobox 2; minus strand). Cytogenetic location: 2q33.1.
Variant type: single nucleotide variant.
Coding change: c.1584C>G on transcript NM_001172509.2 (MANE Select); coding-DNA position 1584, C replaced by G.
Protein change: p.Ser528Arg; replaces serine 528 with arginine.
Molecular consequence: missense variant.
Genome position (GRCh38, 1-based): chr2:199,308,916, G>C on the plus strand (C>G on the coding strand, the complement: SATB2 is on the minus strand). VCF-style: chr2-199308916-G-C. GRCh37 (hg19) VCF-style: chr2-200173639-G-C.
Other names: c.1584C>G, p.Ser528Arg (NM_001172517.1, NM_015265.4); short protein forms S528R.
Identifiers: ClinVar variation 4976364 (VCV004976364.1).

ClinVar aggregate classification (germline): Uncertain significance (1 of 4 stars; one submission).

Submission:

GeneDx
Classification: Uncertain significance. Last evaluated: 2026-02-06. Review status: criteria provided, single submitter. Criteria: GeneDx Variant Classification Process June 2021. Collection method: clinical testing. Allele origin: germline.
Comment: Not observed at significant frequency in large population cohorts (gnomAD); In silico analysis suggests that this missense variant does not alter protein structure/function; Has not been previously published as pathogenic or benign to our knowledge